The following is an entry in ClinVar:

NC_000007.13:g.(?_151478218)_(151483647_?)del

Gene: PRKAG2 (protein kinase AMP-activated non-catalytic subunit gamma 2; minus strand). Cytogenetic location: 7q36.1.
Variant type: Deletion.
Identifiers: ClinVar variation 1441034 (VCV001441034.4).

ClinVar aggregate classification (germline): Uncertain significance (1 of 4 stars; one submission).

Conditions:
Lethal congenital glycogen storage disease of heart. Also called: PHOSPHORYLASE KINASE DEFICIENCY OF HEART; GLYCOGEN STORAGE DISEASE OF HEART. Identifiers: Orphanet 439854, MedGen C1849813, MONDO:0009867, OMIM 261740.

Submission:

Labcorp Genetics (formerly Invitae), Labcorp
Classification: Uncertain significance for Lethal congenital glycogen storage disease of heart. Last evaluated: 2021-08-21. Review status: criteria provided, single submitter. Criteria: Invitae Variant Classification Sherloc (09022015). Collection method: clinical testing. Allele origin: germline.
Comment: In summary, the available evidence is currently insufficient to determine the role of this variant in disease. Therefore, it has been classified as a Variant of Uncertain Significance. This variant is a gross deletion of the genomic region encompassing exon(s) 2-3 of the PRKAG2 gene. This deletion is out-of-frame, and is expected to create a premature translational stop signal and result in an absent or disrupted protein product. However, the current clinical and genetic evidence is not sufficient to establish whether loss-of-function variants in PRKAG2 cause disease. This variant has not been reported in the literature in individuals affected with PRKAG2-related conditions. Experimental studies and prediction algorithms are not available or were not evaluated, and the functional significance of this variant is currently unknown.